The following is an entry in ClinVar:

ClinVar aggregate classification (germline): Pathogenic (1 of 4 stars; one submission).

Submission:

Labcorp Genetics (formerly Invitae), Labcorp
Classification: Pathogenic. Last evaluated: 2023-05-02. Review status: criteria provided, single submitter. Criteria: Invitae Variant Classification Sherloc (09022015). Collection method: clinical testing. Allele origin: germline.
Comment: This sequence change creates a premature translational stop signal (p.Asn1150Glnfs*79) in the MYO7A gene. It is expected to result in an absent or disrupted protein product. Loss-of-function variants in MYO7A are known to be pathogenic (PMID: 8900236, 25404053). This variant is not present in population databases (gnomAD no frequency). This variant has not been reported in the literature in individuals affected with MYO7A-related conditions. For these reasons, this variant has been classified as Pathogenic.

Literature cited by the submitters: PubMed 8900236; PubMed 25404053.

NM_000260.4(MYO7A):c.3446_3447insA (p.Asn1150fs)

Gene: MYO7A (myosin VIIA; plus strand). Cytogenetic location: 11q13.5.
Variant type: Insertion.
Coding change: c.3446_3447insA on transcript NM_000260.4 (MANE Select); coding-DNA positions 3446 to 3447, A inserted.
Protein change: p.Asn1150fs; shifts the reading frame from asparagine 1150.
Molecular consequence: frameshift variant.
Genome position: GRCh38 VCF-style: chr11-77184658-C-CA. GRCh37 (hg19) VCF-style: chr11-76895703-C-CA.
Other names: c.3446_3447insA, p.Asn1150fs (NM_001127180.2); c.3413_3414insA, p.Asn1139fs (NM_001369365.1); short protein forms N1139fs, N1150fs.
Identifiers: ClinVar variation 2857761 (VCV002857761.3), dbSNP rs2497274337, ClinGen allele CA2739270693.
Genomic context (GRCh38, chr11:77,184,658, plus strand): 5'-GGCTGCATGACGGGGAGTCCACAGTGCAGGGCAACAGCATGCTGGAGGACCGGCCCACCT[C>CA]CAACCTGGAGAAGCTGCACTTCATCATCGGCAATGGCATCCTGCGGCCAGCACTCCGGTC-3'